The following is an entry in ClinVar:

NM_000081.4(LYST):c.8311C>A (p.Pro2771Thr)

Gene: LYST (lysosomal trafficking regulator; minus strand). Cytogenetic location: 1q42.3.
Variant type: single nucleotide variant.
Coding change: c.8311C>A on transcript NM_000081.4 (MANE Select); coding-DNA position 8311, C replaced by A.
Protein change: p.Pro2771Thr; replaces proline 2771 with threonine.
Molecular consequence: missense variant.
Genome position (GRCh38, 1-based): chr1:235,741,469, G>T on the plus strand (C>A on the coding strand, the complement: LYST is on the minus strand). VCF-style: chr1-235741469-G-T. GRCh37 (hg19) VCF-style: chr1-235904769-G-T.
Other names: c.8311C>A, p.Pro2771Thr (NM_001301365.1); c.8311C>A (NM_000081.2); short protein forms P2771T.
Identifiers: ClinVar variation 2194483 (VCV002194483.4), dbSNP rs1030857469, ClinGen allele CA39604448.

ClinVar aggregate classification (germline): Uncertain significance. Review status: criteria provided, multiple submitters, no conflicts (2 of 4 stars). 2 submissions from 2 submitters: Uncertain significance (2). Last evaluated 2025-07-31.

Conditions:
Chédiak-Higashi syndrome (CHS). Also called: Chediak-Higashi Syndrome. Identifiers: Orphanet 167, MedGen C0007965, MONDO:0008963, OMIM 214500.
Inborn genetic diseases. Identifiers: MedGen C0950123, MeSH D030342.

gnomAD v4.1: 46 of 1,613,954 alleles (0.0029%); highest among the groups gnomAD compares: Admixed American, 0.057%; no homozygotes.

Submissions (2):

Labcorp Genetics (formerly Invitae), Labcorp
Classification: Uncertain significance for Chédiak-Higashi syndrome. Last evaluated: 2025-07-31. Review status: criteria provided, single submitter. Criteria: Invitae Variant Classification Sherloc (09022015). Collection method: clinical testing. Allele origin: germline.
Comment: This sequence change replaces proline, which is neutral and non-polar, with threonine, which is neutral and polar, at codon 2771 of the LYST protein (p.Pro2771Thr). This variant is present in population databases (no rsID available, gnomAD 0.04%). This variant has not been reported in the literature in individuals affected with LYST-related conditions. ClinVar contains an entry for this variant (Variation ID: 2194483). Invitae Evidence Modeling of protein sequence and biophysical properties (such as structural, functional, and spatial information, amino acid conservation, physicochemical variation, residue mobility, and thermodynamic stability) indicates that this missense variant is not expected to disrupt LYST protein function with a negative predictive value of 80%. In summary, the available evidence is currently insufficient to determine the role of this variant in disease. Therefore, it has been classified as a Variant of Uncertain Significance.

Ambry Genetics
Classification: Uncertain significance for Inborn genetic diseases. Last evaluated: 2024-08-20. Review status: criteria provided, single submitter. Criteria: Ambry Variant Classification Scheme 2023. Collection method: clinical testing. Allele origin: germline.